The following is an entry in ClinVar:

ClinVar aggregate classification (germline): Uncertain significance (1 of 4 stars; one submission).

Conditions:
Primary ciliary dyskinesia 33. Also called: CILIARY DYSKINESIA, PRIMARY, 33, WITHOUT SITUS INVERSUS. Identifiers: Orphanet 244, MedGen C4225230, MONDO:0014750, OMIM 616726.

Submission:

Labcorp Genetics (formerly Invitae), Labcorp
Classification: Uncertain significance for Primary ciliary dyskinesia 33. Last evaluated: 2020-03-19. Review status: criteria provided, single submitter. Criteria: Invitae Variant Classification Sherloc (09022015). Collection method: clinical testing. Allele origin: germline.
Comment: This variant results in a copy number gain of the genomic region encompassing the full coding sequence of the GAS8 gene. The boundaries of this event are unknown as they extend beyond the assayed region for this gene and therefore may encompass additional genes. As the precise location of this event is unknown, it may be in tandem or it may be located elsewhere in the genome. This variant has not been reported in the literature in individuals with GAS8-related conditions. In summary, the available evidence is currently insufficient to determine the role of this variant in disease. Therefore, it has been classified as a Variant of Uncertain Significance.

NC_000016.9:g.(?_90089110)_(90109773_?)dup

Genes: DRC4 (dynein regulatory complex subunit 4; plus strand), GAS8-AS1 (GAS8 antisense RNA 1; minus strand). Cytogenetic location: 16q24.3.
Variant type: Duplication.
Identifiers: ClinVar variation 1041611 (VCV001041611.1).